The following is an entry in ClinVar:

ClinVar aggregate classification (germline): Benign. Review status: criteria provided, multiple submitters, no conflicts (2 of 4 stars). 3 submissions from 3 submitters: Benign (3). Last evaluated 2019-12-31.

Allele frequency attached by ClinVar (database versions not stated): gnomAD exomes 0.00789; ExAC 0.00875; gnomAD 0.02364 and 0.02510; 1000 Genomes Project 0.02396; 1000 Genomes Project 30x 0.02498; ESP Exome Variant Server 0.02668; TOPMed 0.02761.
gnomAD v4.1: 9,593 of 1,614,200 alleles (0.59%); highest among the groups gnomAD compares: African/African-American, 7.5%; 245 homozygotes.

Submissions (3):

Labcorp Genetics (formerly Invitae), Labcorp
Classification: Benign. Last evaluated: 2019-12-31. Review status: criteria provided, single submitter. Criteria: Invitae Variant Classification Sherloc (09022015). Collection method: clinical testing. Allele origin: germline.

GeneDx
Classification: Benign. Last evaluated: 2019-08-23. Review status: criteria provided, single submitter. Criteria: GeneDx Variant Classification Process June 2021. Collection method: clinical testing. Allele origin: germline. Affected: yes.
Comment: This variant is associated with the following publications: (PMID: 30561643)

Breakthrough Genomics
Classification: Benign. Review status: criteria provided, single submitter. Criteria: ACMG Guidelines, 2015. Collection method: not provided. Allele origin: germline. Inheritance: Unknown mechanism. Affected: yes.

NM_001384361.1(PMEL):c.1110G>C (p.Glu370Asp)

Gene: PMEL (premelanosome protein; minus strand). Cytogenetic location: 12q13.2.
Variant type: single nucleotide variant.
Coding change: c.1110G>C on transcript NM_001384361.1 (MANE Select); coding-DNA position 1110, G replaced by C.
Protein change: p.Glu370Asp; replaces glutamic acid 370 with aspartic acid.
Molecular consequence: missense variant.
Genome position (GRCh38, 1-based): chr12:55,957,193, C>G on the plus strand (G>C on the coding strand, the complement: PMEL is on the minus strand). VCF-style: chr12-55957193-C-G. GRCh37 (hg19) VCF-style: chr12-56350977-C-G.
Other names: c.852G>C, p.Glu284Asp (NM_001200053.1); c.1110G>C, p.Glu370Asp (NM_001200054.1, NM_001320121.1, NM_001320122.1 and 1 more transcripts); short protein forms E284D, E370D.
Identifiers: ClinVar variation 769389 (VCV000769389.8), dbSNP rs17118154, ClinGen allele CA6620070.